The following is an entry in ClinVar:

ClinVar aggregate classification (germline): Uncertain significance (1 of 4 stars; one submission).

Conditions:
Gastrointestinal stromal tumor. Also called: Gastrointestinal stroma tumor; Gastrointestinal stromal tumor, somatic. Identifiers: Orphanet 44890, MedGen C0238198, MeSH D046152, MONDO:0011719, OMIM 606764, HP:0100723.

Allele frequency attached by ClinVar (database versions not stated): TOPMed below 0.00001.

Submission:

Labcorp Genetics (formerly Invitae), Labcorp
Classification: Uncertain significance for Gastrointestinal stromal tumor. Last evaluated: 2020-11-10. Review status: criteria provided, single submitter. Criteria: Invitae Variant Classification Sherloc (09022015). Collection method: clinical testing. Allele origin: germline.
Comment: This sequence change replaces lysine with arginine at codon 818 of the KIT protein (p.Lys818Arg). The lysine residue is moderately conserved and there is a small physicochemical difference between lysine and arginine. This variant is not present in population databases (ExAC no frequency). This variant has not been reported in the literature in individuals with KIT-related conditions. Algorithms developed to predict the effect of missense changes on protein structure and function output the following: SIFT: "Tolerated"; PolyPhen-2: "Benign"; Align-GVGD: "Class C0". The arginine amino acid residue is found in multiple mammalian species, suggesting that this missense change does not adversely affect protein function. These predictions have not been confirmed by published functional studies and their clinical significance is uncertain. In summary, the available evidence is currently insufficient to determine the role of this variant in disease. Therefore, it has been classified as a Variant of Uncertain Significance.

NM_000222.3(KIT):c.2453A>G (p.Lys818Arg)

Gene: KIT (KIT proto-oncogene, receptor tyrosine kinase; plus strand). Cytogenetic location: 4q12.
Variant type: single nucleotide variant.
Coding change: c.2453A>G on transcript NM_000222.3 (MANE Select); coding-DNA position 2453, A replaced by G.
Protein change: p.Lys818Arg; replaces lysine 818 with arginine.
Molecular consequence: missense variant.
Genome position (GRCh38, 1-based): chr4:54,733,161, A>G. VCF-style: chr4-54733161-A-G. GRCh37 (hg19) VCF-style: chr4-55599327-A-G.
Other names: c.2441A>G, p.Lys814Arg (NM_001093772.2, NM_001385292.1); c.2456A>G, p.Lys819Arg (NM_001385284.1); c.2450A>G, p.Lys817Arg (NM_001385285.1); c.2438A>G, p.Lys813Arg (NM_001385286.1); c.2444A>G, p.Lys815Arg (NM_001385288.1); c.2453A>G, p.Lys818Arg (NM_001385290.1); short protein forms K814R, K815R, K817R, K818R, K819R, K813R.
Identifiers: ClinVar variation 1417847 (VCV001417847.8), dbSNP rs1722712959, ClinGen allele CA356911926.